The following is an entry in ClinVar:

NC_000021.8:g.(?_44478245)_(44485815_?)del

Gene: CBS (cystathionine beta-synthase; minus strand). Cytogenetic location: 21q22.3.
Variant type: Deletion.
Identifiers: ClinVar variation 1076336 (VCV001076336.4).

ClinVar aggregate classification (germline): Pathogenic. Review status: criteria provided, single submitter (1 of 4 stars). 2 submissions from 1 submitter: Pathogenic (2). Last evaluated 2022-04-16.

Conditions:
Classic homocystinuria. Also called: Homocystinuria due to Cystathionine Beta-Synthase Deficiency; HOMOCYSTINURIA WITH OR WITHOUT RESPONSE TO PYRIDOXINE; Homocystinuria due to CBS deficiency; Cystathionine beta-synthase deficiency; CBS deficiency. Identifiers: Orphanet 394, MedGen C0751202, MONDO:0009352, OMIM 236200.
HYPERHOMOCYSTEINEMIA, THROMBOTIC, CBS-RELATED. Identifiers: MedGen C3150344, OMIM 236200.

Submissions (2):

Labcorp Genetics (formerly Invitae), Labcorp
Classification: Pathogenic for HYPERHOMOCYSTEINEMIA, THROMBOTIC, CBS-RELATED. Last evaluated: 2022-04-16. Review status: criteria provided, single submitter. Criteria: Invitae Variant Classification Sherloc (09022015). Collection method: clinical testing. Allele origin: germline.
Comment: This variant is a gross deletion of the genomic region encompassing exon(s) 6-15 of the CBS gene. This deletion is out-of-frame, and is expected to create a premature termination codon and result in an absent or disrupted protein product. Loss-of-function variants in CBS are known to be pathogenic (PMID: 10338090, 12124992). This variant has not been reported in the literature in individuals affected with CBS-related conditions. For these reasons, this variant has been classified as Pathogenic.

Labcorp Genetics (formerly Invitae), Labcorp
Classification: Pathogenic for HYPERHOMOCYSTEINEMIA, THROMBOTIC, CBS-RELATED. Last evaluated: 2020-06-07. Review status: criteria provided, single submitter. Criteria: Invitae Variant Classification Sherloc (09022015). Collection method: clinical testing. Allele origin: germline.
Comment: This variant is an out-of-frame deletion of the genomic region encompassing exons 6-15 of the CBS gene. This is expected to create a premature translational stop signal and result in an absent or disrupted protein product. This variant has not been reported in the literature in individuals with CBS-related conditions. Loss-of-function variants in CBS are known to be pathogenic (PMID: 10338090, 12124992). For these reasons, this variant has been classified as Pathogenic.

Literature cited by the submitters: PubMed 10338090; PubMed 12124992.